The following is an entry in ClinVar:

ClinVar aggregate classification (germline): Likely pathogenic (1 of 4 stars; one submission).

Conditions:
Joubert syndrome and related disorders. Identifiers: Orphanet 140874, MedGen C5679612, MONDO:0015369.

Submission:

Women's Health and Genetics/Laboratory Corporation of America, LabCorp
Classification: Likely pathogenic for Joubert syndrome and related disorders. Last evaluated: 2023-03-30. Review status: criteria provided, single submitter. Criteria: LabCorp Variant Classification Summary - May 2015. Collection method: clinical testing. Allele origin: germline.
Comment: Variant summary: B9D2 c.223_224insT (p.Arg75LeufsX28) results in a premature termination codon, predicted to cause a truncation of the encoded protein, which is a known mechanism for disease. While the variant is not expected to result in nonsense mediated decay, it is expected to disrupt the last 101 amino acids of the protein. At least one likely pathogenic variant downstream of this position (c.463G>A, p.Gly155Ser) has been reported by our laboratory. The variant was absent in 219562 control chromosomes. To our knowledge, no occurrence of c.223_224insT in individuals affected with Joubert Syndrome And Related Disorders and no experimental evidence demonstrating its impact on protein function have been reported. No clinical diagnostic laboratories have submitted clinical-significance assessments for this variant to ClinVar after 2014. Based on the evidence outlined above, the variant was classified as likely pathogenic.

NM_030578.4(B9D2):c.223_224insT (p.Arg75fs)

Gene: B9D2 (B9 domain containing 2; minus strand). Cytogenetic location: 19q13.2.
Variant type: Insertion.
Coding change: c.223_224insT on transcript NM_030578.4 (MANE Select); coding-DNA positions 223 to 224, T inserted.
Protein change: p.Arg75fs; shifts the reading frame from arginine 75.
Molecular consequence: frameshift variant.
Genome position: GRCh38 VCF-style: chr19-41355004-C-CA. GRCh37 (hg19) VCF-style: chr19-41860909-C-CA.
Other names: short protein forms R75fs.
Identifiers: ClinVar variation 2501262 (VCV002501262.1), dbSNP rs2513398193, ClinGen allele CA2580614902.